The following is an entry in ClinVar:

NM_002432.3(MNDA):c.391C>T (p.Pro131Ser)

Gene: MNDA (myeloid cell nuclear differentiation antigen; plus strand). Cytogenetic location: 1q23.1.
Variant type: single nucleotide variant.
Coding change: c.391C>T on transcript NM_002432.3 (MANE Select); coding-DNA position 391, C replaced by T.
Protein change: p.Pro131Ser; replaces proline 131 with serine.
Molecular consequence: missense variant.
Genome position (GRCh38, 1-based): chr1:158,843,404, C>T. VCF-style: chr1-158843404-C-T. GRCh37 (hg19) VCF-style: chr1-158813194-C-T.
Other names: short protein forms P131S.
Identifiers: ClinVar variation 1736179 (VCV001736179.2), dbSNP rs752324581, ClinGen allele CA1185570.

ClinVar aggregate classification (germline): Uncertain significance (1 of 4 stars; one submission).

Allele frequency attached by ClinVar (database versions not stated): ExAC 0.00001.
gnomAD v4.1: 2 of 1,608,098 alleles (0.00012%); highest among the groups gnomAD compares: Non-Finnish European, 0.00017%; no homozygotes.

Submission:

Ambry Genetics
Classification: Uncertain significance. Last evaluated: 2022-01-05. Review status: criteria provided, single submitter. Criteria: Ambry Variant Classification Scheme 2023. Collection method: clinical testing. Allele origin: germline.
Comment: The p.P131S variant (also known as c.391C>T), located in coding exon 2 of the MNDA gene, results from a C to T substitution at nucleotide position 391. The proline at codon 131 is replaced by serine, an amino acid with similar properties. This amino acid position is conserved. In addition, this alteration is predicted to be tolerated by in silico analysis. Since supporting evidence is limited at this time, the clinical significance of this alteration remains unclear.